The following is an entry in ClinVar:

NM_000152.5(GAA):c.2444A>T (p.Asn815Ile)

Gene: GAA (alpha glucosidase; plus strand). Cytogenetic location: 17q25.3.
Variant type: single nucleotide variant.
Coding change: c.2444A>T on transcript NM_000152.5 (MANE Select); coding-DNA position 2444, A replaced by T.
Protein change: p.Asn815Ile; replaces asparagine 815 with isoleucine.
Molecular consequence: missense variant.
Genome position (GRCh38, 1-based): chr17:80,117,712, A>T. VCF-style: chr17-80117712-A-T. GRCh37 (hg19) VCF-style: chr17-78091511-A-T.
Other names: c.2444A>T, p.Asn815Ile (NM_001079803.3, NM_001079804.3, NM_001406741.1 and 1 more transcripts); short protein forms N815I.
Identifiers: ClinVar variation 2448130 (VCV002448130.2), dbSNP rs1365945556, ClinGen allele CA401325234.

ClinVar aggregate classification (germline): Uncertain significance (1 of 4 stars; one submission).

Conditions:
Cardiovascular phenotype. Identifiers: MedGen CN230736.

gnomAD v4.1: 2 of 1,612,032 alleles (0.00012%); highest among the groups gnomAD compares: Non-Finnish European, 0.00017%; no homozygotes.

Submission:

Ambry Genetics
Classification: Uncertain significance for Cardiovascular phenotype. Last evaluated: 2022-12-14. Review status: criteria provided, single submitter. Criteria: Ambry Variant Classification Scheme 2023. Collection method: clinical testing. Allele origin: germline.
Comment: The p.N815I variant (also known as c.2444A>T), located in coding exon 16 of the GAA gene, results from an A to T substitution at nucleotide position 2444. The asparagine at codon 815 is replaced by isoleucine, an amino acid with dissimilar properties. This amino acid position is conserved. In addition, this alteration is predicted to be deleterious by in silico analysis. Since supporting evidence is limited at this time, the clinical significance of this alteration remains unclear.